The following is an entry in ClinVar:

ClinVar aggregate classification (germline): Likely benign. Review status: criteria provided, multiple submitters, no conflicts (2 of 4 stars). 2 submissions from 2 submitters: Likely benign (2). Last evaluated 2025-11-15.

Conditions:
SLC25A32-related disorder. Also called: SLC25A32-related condition.

Allele frequency attached by ClinVar (database versions not stated): ExAC 0.00004; gnomAD 0.00005; ESP Exome Variant Server 0.00008; TOPMed 0.00009; 1000 Genomes Project 30x 0.00016; 1000 Genomes Project 0.00020.
gnomAD v4.1: 18 of 1,613,760 alleles (0.0011%); highest among the groups gnomAD compares: African/African-American, 0.021%; no homozygotes.

Submissions (2):

Labcorp Genetics (formerly Invitae), Labcorp
Classification: Likely benign. Last evaluated: 2025-11-15. Review status: criteria provided, single submitter. Criteria: Invitae Variant Classification Sherloc (09022015). Collection method: clinical testing. Allele origin: germline.

PreventionGenetics, part of Exact Sciences
Classification: Likely benign for SLC25A32-related condition. Last evaluated: 2025-05-18. Review status: criteria provided, single submitter. Criteria: ACMG Guidelines, 2015. Collection method: clinical testing. Allele origin: germline.
Comment: This variant is classified as likely benign based on ACMG/AMP sequence variant interpretation guidelines (Richards et al. 2015 PMID: 25741868, with internal and published modifications).

NM_030780.5(SLC25A32):c.723A>G (p.Ala241=)

Gene: SLC25A32 (solute carrier family 25 member 32; minus strand). Cytogenetic location: 8q22.3.
Variant type: single nucleotide variant.
Coding change: c.723A>G on transcript NM_030780.5 (MANE Select); coding-DNA position 723, A replaced by G.
Protein change: p.Ala241=; no amino-acid change (alanine 241 retained).
Molecular consequence: synonymous variant. On other transcripts: non-coding transcript variant (2).
Genome position (GRCh38, 1-based): chr8:103,401,605, T>C on the plus strand (A>G on the coding strand, the complement: SLC25A32 is on the minus strand). VCF-style: chr8-103401605-T-C. GRCh37 (hg19) VCF-style: chr8-104413833-T-C.
Other names: c.723A>G (NM_030780.4).
Identifiers: ClinVar variation 2181564 (VCV002181564.5), dbSNP rs371592738, ClinGen allele CA4835381.